The following is an entry in ClinVar:

ClinVar aggregate classification (germline): Conflicting classifications of pathogenicity. Review status: criteria provided, conflicting classifications (1 of 4 stars). 2 submissions from 2 submitters: Uncertain significance (1); Likely benign (1). Last evaluated 2024-08-05.

Conditions:
Gorlin syndrome. Also called: Nevoid Basal Cell Carcinoma Syndrome; Basal cell nevus syndrome. Identifiers: Orphanet 377, MedGen C0004779, MONDO:0007187.
Hereditary cancer-predisposing syndrome. Also called: Neoplastic Syndromes, Hereditary; Hereditary Cancer Syndrome; Hereditary neoplastic syndrome; Tumor predisposition. Identifiers: Orphanet 140162, MedGen C0027672, MeSH D009386, MONDO:0015356.

Allele frequency attached by ClinVar (database versions not stated): gnomAD exomes below 0.00001; TOPMed below 0.00001; gnomAD 0.00001.
gnomAD v4.1: 5 of 1,613,694 alleles (0.00031%); highest among the groups gnomAD compares: Middle Eastern, 0.016%; no homozygotes.

Submissions (2):

Labcorp Genetics (formerly Invitae), Labcorp
Classification: Likely benign for Gorlin syndrome. Last evaluated: 2024-08-05. Review status: criteria provided, single submitter. Criteria: Invitae Variant Classification Sherloc (09022015). Collection method: clinical testing. Allele origin: germline.

Ambry Genetics
Classification: Uncertain significance for Hereditary cancer-predisposing syndrome. Last evaluated: 2024-05-02. Review status: criteria provided, single submitter. Criteria: Ambry Variant Classification Scheme 2023. Collection method: clinical testing. Allele origin: germline.
Comment: The p.G1109S variant (also known as c.3325G>A), located in coding exon 20 of the PTCH1 gene, results from a G to A substitution at nucleotide position 3325. The glycine at codon 1109 is replaced by serine, an amino acid with similar properties. This amino acid position is highly conserved in available vertebrate species. In addition, this alteration is predicted to be deleterious by in silico analysis. Since supporting evidence is limited at this time, the clinical significance of this alteration remains unclear.

NM_000264.5(PTCH1):c.3325G>A (p.Gly1109Ser)

Gene: PTCH1 (patched 1; minus strand). Cytogenetic location: 9q22.32.
Variant type: single nucleotide variant.
Coding change: c.3325G>A on transcript NM_000264.5 (MANE Select); coding-DNA position 3325, G replaced by A.
Protein change: p.Gly1109Ser; replaces glycine 1109 with serine.
Molecular consequence: missense variant. On other transcripts: non-coding transcript variant (1).
Genome position (GRCh38, 1-based): chr9:95,453,602, C>T on the plus strand (G>A on the coding strand, the complement: PTCH1 is on the minus strand). VCF-style: chr9-95453602-C-T. GRCh37 (hg19) VCF-style: chr9-98215884-C-T.
Other names: c.3127G>A, p.Gly1043Ser (NM_001083602.3); c.3322G>A, p.Gly1108Ser (NM_001083603.3); c.2872G>A, p.Gly958Ser (NM_001083604.3, NM_001083605.3, NM_001083606.3 and 1 more transcripts); c.3169G>A, p.Gly1057Ser (NM_001354918.2); short protein forms G1108S, G1057S, G1109S, G1043S, G958S.
Identifiers: ClinVar variation 823609 (VCV000823609.13), dbSNP rs1344231723, ClinGen allele CA374111899.